The following is an entry in ClinVar:

NM_012154.5(AGO2):c.2150G>A (p.Cys717Tyr)

Gene: AGO2 (argonaute RISC catalytic component 2; minus strand). Cytogenetic location: 8q24.3.
Variant type: single nucleotide variant.
Coding change: c.2150G>A on transcript NM_012154.5 (MANE Select); coding-DNA position 2150, G replaced by A.
Protein change: p.Cys717Tyr; replaces cysteine 717 with tyrosine.
Molecular consequence: missense variant.
Genome position (GRCh38, 1-based): chr8:140,539,339, C>T on the plus strand (G>A on the coding strand, the complement: AGO2 is on the minus strand). VCF-style: chr8-140539339-C-T. GRCh37 (hg19) VCF-style: chr8-141549438-C-T.
Other names: c.2150G>A, p.Cys717Tyr (NM_001164623.3); short protein forms C717Y.
Identifiers: ClinVar variation 5017544 (VCV005017544.1).

ClinVar aggregate classification (germline): Uncertain significance (1 of 4 stars; one submission).

Submission:

GeneDx
Classification: Uncertain significance. Last evaluated: 2026-03-26. Review status: criteria provided, single submitter. Criteria: GeneDx Variant Classification Process June 2021. Collection method: clinical testing. Allele origin: germline.
Comment: Not observed at significant frequency in large population cohorts (gnomAD); In silico analysis supports that this missense variant has a deleterious effect on protein structure/function; Has not been previously published as pathogenic or benign to our knowledge